The following is an entry in ClinVar:

ClinVar aggregate classification (germline): Likely pathogenic. Review status: criteria provided, multiple submitters, no conflicts (2 of 4 stars). 2 submissions from 2 submitters: Likely pathogenic (2). Last evaluated 2024-05-15.

Conditions:
Autosomal recessive Alport syndrome (ATS2). Also called: Alport syndrome type 2; COL4A3-Related Nephropathy; COL4A4 Alport Syndrome and Thin Basement Membrane Nephropathy; ALPORT SYNDROME 2, AUTOSOMAL RECESSIVE. Identifiers: Orphanet 63, Orphanet 88919, MedGen C4746745, MONDO:0008762, OMIM 203780.
Hematuria, benign familial, 1 (BFH1). Also called: THIN MEMBRANE NEPHROPATHY. Identifiers: MedGen CN376803, MONDO:0007709, OMIM 141200.
Alport syndrome. Also called: Hemorrhagic familial nephritis; Hemorrhagic hereditary nephritis; Congenital hereditary hematuria. Identifiers: Orphanet 63, MedGen C1567741, MONDO:0018965.

Submissions (2):

Natera, Inc.
Classification: Likely pathogenic for Alport syndrome. Last evaluated: 2024-05-15. Review status: criteria provided, single submitter. Criteria: Natera Variant Classification Schema (03/2026). Collection method: clinical testing. Allele origin: germline.
Comment: The c.3086del variant in COL4A4 is a frameshift variant predicted to shift the reading frame beginning at codon 1029 and leads to a stop codon 9 codons downstream. This variant is expected to result in nonsense mediated decay, truncation, or a dysfunctional protein product. This variant is rare in the general population with a frequency below the threshold expected for the associated phenotype(s). Given the available evidence, this variant is classified as Likely Pathogenic.

Fulgent Genetics
Classification: Likely pathogenic for Hematuria, benign familial, 1; Autosomal recessive Alport syndrome. Last evaluated: 2024-02-08. Review status: criteria provided, single submitter. Criteria: ACMG Guidelines, 2015. Collection method: clinical testing. Allele origin: germline.

NM_000092.5(COL4A4):c.3086del (p.Pro1029fs)

Gene: COL4A4 (collagen type IV alpha 4 chain; minus strand). Cytogenetic location: 2q36.3.
Variant type: Deletion.
Coding change: c.3086del on transcript NM_000092.5 (MANE Select); coding-DNA position 3086, one base deleted (C; older notation c.3086delC).
Protein change: p.Pro1029fs; shifts the reading frame from proline 1029.
Molecular consequence: frameshift variant.
Genome position (GRCh38, 1-based): chr2:227,051,041, G deleted on the plus strand (C on the coding strand, the reverse complement: COL4A4 is on the minus strand); the first of 5 consecutive G bases (chr2:227,051,041-227,051,045); deleting any one gives the same sequence. VCF-style (leftmost placement, unchanged base first): chr2-227051040-TG-T. GRCh37 (hg19) VCF-style: chr2-227915756-TG-T.
Other names: c.3086del (NM_000092.4); short protein forms P1029fs.
Identifiers: ClinVar variation 3585805 (VCV003585805.2).